The following is an entry in ClinVar:

ClinVar aggregate classification (germline): Uncertain significance. Review status: criteria provided, multiple submitters, no conflicts (2 of 4 stars). 3 submissions from 3 submitters: Uncertain significance (3). Last evaluated 2026-01-24.

Conditions:
Hereditary cancer-predisposing syndrome. Also called: Tumor predisposition; Neoplastic Syndromes, Hereditary; Hereditary Cancer Syndrome; Hereditary neoplastic syndrome. Identifiers: Orphanet 140162, MedGen C0027672, MeSH D009386, MONDO:0015356.
Familial adenomatous polyposis 1 (FAP1). Also called: FAMILIAL ADENOMATOUS POLYPOSIS 1, ATTENUATED; POLYPOSIS, ADENOMATOUS INTESTINAL. Identifiers: MedGen C2713442, MONDO:0021056, OMIM 175100. Disease mechanism: loss of function.

Submissions (3):

Labcorp Genetics (formerly Invitae), Labcorp
Classification: Uncertain significance for Familial adenomatous polyposis 1. Last evaluated: 2026-01-24. Review status: criteria provided, single submitter. Criteria: Invitae Variant Classification Sherloc (09022015). Collection method: clinical testing. Allele origin: germline.
Comment: This sequence change replaces asparagine, which is neutral and polar, with serine, which is neutral and polar, at codon 1622 of the APC protein (p.Asn1622Ser). This variant is not present in population databases (gnomAD no frequency). This variant has not been reported in the literature in individuals affected with APC-related conditions. ClinVar contains an entry for this variant (Variation ID: 1301388). Invitae Evidence Modeling of protein sequence and biophysical properties (such as structural, functional, and spatial information, amino acid conservation, physicochemical variation, residue mobility, and thermodynamic stability) indicates that this missense variant is not expected to disrupt APC protein function with a negative predictive value of 95%. In summary, the available evidence is currently insufficient to determine the role of this variant in disease. Therefore, it has been classified as a Variant of Uncertain Significance.

Women's Health and Genetics/Laboratory Corporation of America, LabCorp
Classification: Uncertain significance. Last evaluated: 2021-09-20. Review status: criteria provided, single submitter. Criteria: LabCorp Variant Classification Summary - May 2015. Collection method: clinical testing. Allele origin: germline.

Ambry Genetics
Classification: Uncertain significance for Hereditary cancer-predisposing syndrome. Last evaluated: 2021-08-20. Review status: criteria provided, single submitter. Criteria: Ambry Variant Classification Scheme 2023. Collection method: clinical testing. Allele origin: germline.
Comment: The p.N1622S variant (also known as c.4865A>G), located in coding exon 15 of the APC gene, results from an A to G substitution at nucleotide position 4865. The asparagine at codon 1622 is replaced by serine, an amino acid with highly similar properties. This amino acid position is not well conserved in available vertebrate species. In addition, in silico predictors for this gene do not accurately predict pathogenicity. Since supporting evidence is limited at this time, the clinical significance of this alteration remains unclear.

NM_000038.6(APC):c.4865A>G (p.Asn1622Ser)

Gene: APC (APC regulator of Wnt signaling pathway; plus strand). Cytogenetic location: 5q22.2.
Variant type: single nucleotide variant.
Coding change: c.4865A>G on transcript NM_000038.6 (MANE Select); coding-DNA position 4865, A replaced by G.
Protein change: p.Asn1622Ser; replaces asparagine 1622 with serine.
Molecular consequence: missense variant.
Genome position (GRCh38, 1-based): chr5:112,840,459, A>G. VCF-style: chr5-112840459-A-G. GRCh37 (hg19) VCF-style: chr5-112176156-A-G.
Other names: c.4865A>G, p.Asn1622Ser (NM_001127510.3, NM_001354895.2); c.4811A>G, p.Asn1604Ser (NM_001127511.3); c.4919A>G, p.Asn1640Ser (NM_001354896.2); c.4895A>G, p.Asn1632Ser (NM_001354897.2); c.4790A>G, p.Asn1597Ser (NM_001354898.2); c.4781A>G, p.Asn1594Ser (NM_001354899.2); c.4742A>G, p.Asn1581Ser (NM_001354900.2); c.4688A>G, p.Asn1563Ser (NM_001354901.2); and 5 more; short protein forms N1339S, N1462S, N1496S, N1521S, N1531S, N1563S, N1581S, N1594S.
Identifiers: ClinVar variation 1301388 (VCV001301388.4), dbSNP rs2149925864, ClinGen allele CA16031989.